The following is an entry in ClinVar:

NM_016013.4(NDUFAF1):c.330_400del (p.Gly110_His111insTer)

Gene: NDUFAF1 (NADH:ubiquinone oxidoreductase complex assembly factor 1; minus strand). Cytogenetic location: 15q15.1.
Variant type: Deletion.
Coding change: c.330_400del on transcript NM_016013.4 (MANE Select); coding-DNA positions 330 to 400, 71 bases deleted.
Protein change: p.Gly110_His111insTer.
Molecular consequence: frameshift variant. On other transcripts: non-coding transcript variant (1).
Genome position (GRCh38, 1-based): chr15:41,396,660-41,396,730, 71 bases deleted. GRCh37 (hg19): chr15:41,688,860-41,688,930.
Identifiers: ClinVar variation 1949401 (VCV001949401.5), dbSNP rs1566825120, ClinGen allele CA617832186.

ClinVar aggregate classification (germline): Uncertain significance (1 of 4 stars; one submission).

Submission:

Labcorp Genetics (formerly Invitae), Labcorp
Classification: Uncertain significance. Last evaluated: 2022-07-12. Review status: criteria provided, single submitter. Criteria: Invitae Variant Classification Sherloc (09022015). Collection method: clinical testing. Allele origin: germline.
Comment: This sequence change creates a premature translational stop signal (p.His111*) in the NDUFAF1 gene. It is expected to result in an absent or disrupted protein product. However, the current clinical and genetic evidence is not sufficient to establish whether loss-of-function variants in NDUFAF1 cause disease. This variant is present in population databases (no rsID available, gnomAD 0.01%). This variant has not been reported in the literature in individuals affected with NDUFAF1-related conditions. In summary, the available evidence is currently insufficient to determine the role of this variant in disease. Therefore, it has been classified as a Variant of Uncertain Significance.